The following is an entry in ClinVar:

ClinVar aggregate classification (germline): Uncertain significance (1 of 4 stars; one submission).

Allele frequency attached by ClinVar (database versions not stated): gnomAD exomes below 0.00001 and 0.00001; TOPMed below 0.00001.
gnomAD v4.1: 21 of 1,614,156 alleles (0.0013%); highest among the groups gnomAD compares: Non-Finnish European, 0.0018%; no homozygotes.

Submission:

Labcorp Genetics (formerly Invitae), Labcorp
Classification: Uncertain significance. Last evaluated: 2022-07-19. Review status: criteria provided, single submitter. Criteria: Invitae Variant Classification Sherloc (09022015). Collection method: clinical testing. Allele origin: germline.
Comment: In summary, the available evidence is currently insufficient to determine the role of this variant in disease. Therefore, it has been classified as a Variant of Uncertain Significance. Algorithms developed to predict the effect of missense changes on protein structure and function are either unavailable or do not agree on the potential impact of this missense change (SIFT: "Deleterious"; PolyPhen-2: "Benign"; Align-GVGD: "Class C15"). ClinVar contains an entry for this variant (Variation ID: 1472553). This variant has not been reported in the literature in individuals affected with TUBA8-related conditions. This variant is present in population databases (no rsID available, gnomAD 0.0009%). This sequence change replaces threonine, which is neutral and polar, with isoleucine, which is neutral and non-polar, at codon 126 of the TUBA8 protein (p.Thr126Ile).

NM_018943.3(TUBA8):c.377C>T (p.Thr126Ile)

Gene: TUBA8 (tubulin alpha 8; plus strand). Cytogenetic location: 22q11.21.
Variant type: single nucleotide variant.
Coding change: c.377C>T on transcript NM_018943.3 (MANE Select); coding-DNA position 377, C replaced by T.
Protein change: p.Thr126Ile; replaces threonine 126 with isoleucine.
Molecular consequence: missense variant.
Genome position (GRCh38, 1-based): chr22:18,126,355, C>T. VCF-style: chr22-18126355-C-T. GRCh37 (hg19) VCF-style: chr22-18609122-C-T.
Other names: c.179C>T, p.Thr60Ile (NM_001193414.2); short protein forms T126I, T60I.
Identifiers: ClinVar variation 1472553 (VCV001472553.6), dbSNP rs1023231411, ClinGen allele CA321283513.